The following is an entry in ClinVar:

ClinVar aggregate classification (germline): Likely benign (1 of 4 stars; one submission).

gnomAD v4.1: 10 of 1,541,422 alleles (0.00065%); highest among the groups gnomAD compares: Non-Finnish European, 0.0009%; no homozygotes.

Submission:

Center for Genomic Medicine, Rigshospitalet, Copenhagen University Hospital
Classification: Likely benign. Last evaluated: 2025-12-29. Review status: criteria provided, single submitter. Criteria: ACMG Guidelines, 2015. Collection method: clinical testing. Allele origin: germline.
Comment: Classification criteria: BP4, BP7

NM_007294.4(BRCA1):c.5193+35T>C

Gene: BRCA1 (BRCA1 DNA repair associated; minus strand). Cytogenetic location: 17q21.31.
Variant type: single nucleotide variant.
Coding change: c.5193+35T>C on transcript NM_007294.4 (MANE Select); 35 bases into the intron after coding-DNA position 5193, T replaced by C.
Molecular consequence: intron variant.
Genome position (GRCh38, 1-based): chr17:43,063,298, A>G on the plus strand (T>C on the coding strand, the complement: BRCA1 is on the minus strand). VCF-style: chr17-43063298-A-G. GRCh37 (hg19) VCF-style: chr17-41215315-A-G.
Other names: c.1542+35T>C (NM_001408509.1); c.1545+35T>C (NM_001408508.1); c.1671+35T>C (NM_001408491.1, NM_001408481.1, NM_001408485.1 and 5 more transcripts); c.4977+35T>C (NM_001407918.1, NM_001407917.1, NM_001407915.1 and 1 more transcripts); c.4980+35T>C (NM_001407894.1, NM_001407909.1, NM_001407906.1 and 12 more transcripts); c.4854+35T>C (NM_001407957.1, NM_001407956.1, NM_001407958.1); c.4857+35T>C (NM_001407953.1, NM_001407955.1, NM_001407951.1 and 3 more transcripts); c.4860+35T>C (NM_001407949.1, NM_001407947.1, NM_001407946.1 and 1 more transcripts); and 72 more.
Identifiers: ClinVar variation 4539180 (VCV004539180.1).